The following is an entry in ClinVar:

NM_001042432.2(CLN3):c.626C>T (p.Pro209Leu)

Gene: CLN3 (CLN3 lysosomal/endosomal transmembrane protein, battenin; minus strand). Cytogenetic location: 16p12.1.
Variant type: single nucleotide variant.
Coding change: c.626C>T on transcript NM_001042432.2 (MANE Select); coding-DNA position 626, C replaced by T.
Protein change: p.Pro209Leu; replaces proline 209 with leucine.
Molecular consequence: missense variant.
Genome position (GRCh38, 1-based): chr16:28,486,398, G>A on the plus strand (C>T on the coding strand, the complement: CLN3 is on the minus strand). VCF-style: chr16-28486398-G-A. GRCh37 (hg19) VCF-style: chr16-28497719-G-A.
Other names: c.626C>T, p.Pro209Leu (NM_000086.2); c.554C>T, p.Pro185Leu (NM_001286104.2); c.326C>T, p.Pro109Leu (NM_001286105.2); c.392C>T, p.Pro131Leu (NM_001286109.2); c.464C>T, p.Pro155Leu (NM_001286110.2); short protein forms P209L, P131L, P185L, P109L, P155L.
Identifiers: ClinVar variation 527737 (VCV000527737.5), dbSNP rs139417824, ClinGen allele CA7980874.

ClinVar aggregate classification (germline): Uncertain significance. Review status: criteria provided, multiple submitters, no conflicts (2 of 4 stars). 3 submissions from 3 submitters: Uncertain significance (3). Last evaluated 2024-03-01.

Conditions:
Inborn genetic diseases. Identifiers: MedGen C0950123, MeSH D030342.
Neuronal ceroid lipofuscinosis. Also called: Neuronal Ceroid Lipofuscinoses. Identifiers: Orphanet 216, Orphanet 79263, MedGen C0027877, MONDO:0016295. Disease mechanism: loss of function.

Allele frequency attached by ClinVar (database versions not stated): ExAC 0.00002; gnomAD exomes 0.00002 and 0.00003; TOPMed 0.00004; gnomAD 0.00005; ESP Exome Variant Server 0.00008; 1000 Genomes Project 30x 0.00016; 1000 Genomes Project 0.00020.
gnomAD v4.1: 54 of 1,613,312 alleles (0.0033%); highest among the groups gnomAD compares: Non-Finnish European, 0.0045%; no homozygotes.

Submissions (3):

Blueprint Genetics
Classification: Uncertain significance. Last evaluated: 2024-03-01. Review status: criteria provided, single submitter. Criteria: ACMG Guidelines, 2015. Collection method: clinical testing. Allele origin: germline.

Labcorp Genetics (formerly Invitae), Labcorp
Classification: Uncertain significance for Neuronal ceroid lipofuscinosis. Last evaluated: 2022-08-17. Review status: criteria provided, single submitter. Criteria: Invitae Variant Classification Sherloc (09022015). Collection method: clinical testing. Allele origin: germline.
Comment: This sequence change replaces proline, which is neutral and non-polar, with leucine, which is neutral and non-polar, at codon 209 of the CLN3 protein (p.Pro209Leu). This variant is present in population databases (rs139417824, gnomAD 0.004%). This variant has not been reported in the literature in individuals affected with CLN3-related conditions. ClinVar contains an entry for this variant (Variation ID: 527737). Algorithms developed to predict the effect of missense changes on protein structure and function are either unavailable or do not agree on the potential impact of this missense change (SIFT: "Tolerated"; PolyPhen-2: "Probably Damaging"; Align-GVGD: "Class C0"). In summary, the available evidence is currently insufficient to determine the role of this variant in disease. Therefore, it has been classified as a Variant of Uncertain Significance.

Ambry Genetics
Classification: Uncertain significance for Inborn genetic diseases. Last evaluated: 2021-07-13. Review status: criteria provided, single submitter. Criteria: Ambry Variant Classification Scheme 2023. Collection method: clinical testing. Allele origin: germline.